The following is an entry in ClinVar:

ClinVar aggregate classification (germline): Uncertain significance (1 of 4 stars; one submission).

Allele frequency attached by ClinVar (database versions not stated): gnomAD exomes below 0.00001.
gnomAD v4.1: 1 of 1,613,698 alleles (0.000062%); highest among the groups gnomAD compares: East Asian, 0.0022%; no homozygotes.

Submission:

Labcorp Genetics (formerly Invitae), Labcorp
Classification: Uncertain significance. Last evaluated: 2023-03-07. Review status: criteria provided, single submitter. Criteria: Invitae Variant Classification Sherloc (09022015). Collection method: clinical testing. Allele origin: germline.
Comment: This sequence change replaces lysine, which is basic and polar, with arginine, which is basic and polar, at codon 1165 of the ATR protein (p.Lys1165Arg). This variant is present in population databases (no rsID available, gnomAD 0.006%). This variant has not been reported in the literature in individuals affected with ATR-related conditions. An algorithm developed to predict the effect of missense changes on protein structure and function (PolyPhen-2) suggests that this variant is likely to be tolerated. In summary, the available evidence is currently insufficient to determine the role of this variant in disease. Therefore, it has been classified as a Variant of Uncertain Significance.

NM_001184.4(ATR):c.3494A>G (p.Lys1165Arg)

Gene: ATR (ATR checkpoint kinase; minus strand). Cytogenetic location: 3q23.
Variant type: single nucleotide variant.
Coding change: c.3494A>G on transcript NM_001184.4 (MANE Select); coding-DNA position 3494, A replaced by G.
Protein change: p.Lys1165Arg; replaces lysine 1165 with arginine.
Molecular consequence: missense variant.
Genome position (GRCh38, 1-based): chr3:142,540,991, T>C on the plus strand (A>G on the coding strand, the complement: ATR is on the minus strand). VCF-style: chr3-142540991-T-C. GRCh37 (hg19) VCF-style: chr3-142259833-T-C.
Other names: c.3302A>G, p.Lys1101Arg (NM_001354579.2); short protein forms K1101R, K1165R.
Identifiers: ClinVar variation 2819980 (VCV002819980.3), dbSNP rs1342547062, ClinGen allele CA354807881.